The following is an entry in ClinVar:

ClinVar aggregate classification (germline): Uncertain significance. Review status: criteria provided, multiple submitters, no conflicts (2 of 4 stars). 2 submissions from 2 submitters: Uncertain significance (2). Last evaluated 2024-08-11.

Conditions:
T-cell immunodeficiency, congenital alopecia, and nail dystrophy. Also called: Congenital alopecia and nail dystrophy associated with severe functional T-cell immunodeficiency; Pignata Guarino syndrome. Identifiers: Orphanet 169095, MedGen C1866426, MONDO:0011132, OMIM 601705.

gnomAD v4.1: 25 of 1,607,684 alleles (0.0016%); highest among the groups gnomAD compares: Non-Finnish European, 0.0021%; no homozygotes.

Submissions (2):

Labcorp Genetics (formerly Invitae), Labcorp
Classification: Uncertain significance for T-cell immunodeficiency, congenital alopecia, and nail dystrophy. Last evaluated: 2024-08-11. Review status: criteria provided, single submitter. Criteria: Invitae Variant Classification Sherloc (09022015). Collection method: clinical testing. Allele origin: germline.
Comment: This sequence change replaces alanine, which is neutral and non-polar, with aspartic acid, which is acidic and polar, at codon 512 of the FOXN1 protein (p.Ala512Asp). This variant is present in population databases (rs754708376, gnomAD 0.004%). This variant has not been reported in the literature in individuals affected with FOXN1-related conditions. Advanced modeling of protein sequence and biophysical properties (such as structural, functional, and spatial information, amino acid conservation, physicochemical variation, residue mobility, and thermodynamic stability) performed at Invitae indicates that this missense variant is not expected to disrupt FOXN1 protein function with a negative predictive value of 80%. In summary, the available evidence is currently insufficient to determine the role of this variant in disease. Therefore, it has been classified as a Variant of Uncertain Significance.

GeneDx
Classification: Uncertain significance. Last evaluated: 2023-12-18. Review status: criteria provided, single submitter. Criteria: GeneDx Variant Classification Process June 2021. Collection method: clinical testing. Allele origin: germline. Affected: yes.
Comment: In silico analysis supports that this missense variant does not alter protein structure/function; Has not been previously published as pathogenic or benign to our knowledge

NM_001369369.1(FOXN1):c.1535C>A (p.Ala512Asp)

Gene: FOXN1 (forkhead box N1; plus strand). Cytogenetic location: 17q11.2.
Variant type: single nucleotide variant.
Coding change: c.1535C>A on transcript NM_001369369.1 (MANE Select); coding-DNA position 1535, C replaced by A.
Protein change: p.Ala512Asp; replaces alanine 512 with aspartic acid.
Molecular consequence: missense variant.
Genome position (GRCh38, 1-based): chr17:28,535,106, C>A. VCF-style: chr17-28535106-C-A. GRCh37 (hg19) VCF-style: chr17-26862124-C-A.
Other names: c.1535C>A, p.Ala512Asp (NM_003593.3); short protein forms A512D.
Identifiers: ClinVar variation 3365690 (VCV003365690.3).
Genomic context (GRCh38, chr17:28,535,106, plus strand): 5'-CTCTGCCTGCCCACACCCCACCCAGCCACAGTGCCAAGCTACTGGCCGAGCCTTCCCCAG[C>A]CAGGACTATGCACGACACCCTGCTGCCAGATGGAGACCTTGGCACTGACCTGGATGCCAT-3'
Protein context (NP_001356298.1, residues 502-522): SAKLLAEPSP[Ala512Asp]RTMHDTLLPD